The following is an entry in ClinVar:

ClinVar aggregate classification (germline): Likely benign (1 of 4 stars; one submission).

Allele frequency attached by ClinVar (database versions not stated): gnomAD 0.00001; TOPMed 0.00001; gnomAD exomes 0.00003; ESP Exome Variant Server 0.00008.

Submission:

CeGaT Center for Human Genetics Tuebingen
Classification: Likely benign. Last evaluated: 2022-03-01. Review status: criteria provided, single submitter. Criteria: CeGaT Center For Human Genetics Tuebingen Variant Classification Criteria Version 2. Collection method: clinical testing. Allele origin: germline. Affected: yes. Observed: 1 variant allele.
Comment: ADAM30: BP4, BP7

NM_021794.4(ADAM30):c.291G>A (p.Gly97=)

Gene: ADAM30 (ADAM metallopeptidase domain 30; minus strand). Cytogenetic location: 1p12.
Variant type: single nucleotide variant.
Coding change: c.291G>A on transcript NM_021794.4 (MANE Select); coding-DNA position 291, G replaced by A.
Protein change: p.Gly97=; no amino-acid change (glycine 97 retained).
Molecular consequence: synonymous variant.
Genome position (GRCh38, 1-based): chr1:119,896,046, C>T on the plus strand (G>A on the coding strand, the complement: ADAM30 is on the minus strand). VCF-style: chr1-119896046-C-T. GRCh37 (hg19) VCF-style: chr1-120438669-C-T.
Identifiers: ClinVar variation 2639039 (VCV002639039.24), dbSNP rs371282723, ClinGen allele CA30297444.